The following is an entry in ClinVar:

ClinVar aggregate classification (germline): Pathogenic. Review status: reviewed by expert panel (3 of 4 stars). 3 submissions from 3 submitters: Pathogenic (1). 2 of the submissions do not count toward it. Last evaluated 2017-12-15.

Conditions:
Breast-ovarian cancer, familial, susceptibility to, 1 (BROVCA1). Also called: BRCA1 Hereditary Breast and Ovarian Cancer; OVARIAN CANCER, SUSCEPTIBILITY TO. Identifiers: Orphanet 145, MedGen C2676676, MONDO:0011450, OMIM 604370. Disease mechanism: loss of function.
Familial cancer of breast. Also called: hereditary breast carcinoma; BREAST CANCER, FAMILIAL; Hereditary breast cancer. Identifiers: Orphanet 227535, MedGen C0346153, MONDO:0016419, OMIM 114480. Disease mechanism: loss of function.
Hereditary breast ovarian cancer syndrome. Also called: BRCA1- and BRCA2-Associated Hereditary Breast and Ovarian Cancer; Hereditary breast and ovarian cancer syndrome; Hereditary breast and ovarian cancer syndrome (HBOC); Breast and ovarian cancer; Hereditary breast and/or ovarian cancer syndrome; Hereditary breast and ovarian cancer. Identifiers: Orphanet 145, MedGen C0677776, MeSH D061325, MONDO:0003582. Disease mechanism: loss of function.

Submissions (3):

Evidence-based Network for the Interpretation of Germline Mutant Alleles (ENIGMA)
Classification: Pathogenic for Breast-ovarian cancer, familial, susceptibility to, 1. Last evaluated: 2017-12-15. Review status: reviewed by expert panel. Criteria: ENIGMA BRCA1/2 Classification Criteria (2017-06-29). Collection method: curation. Allele origin: germline. Study: ENIGMA.
Comment: Variant allele predicted to encode a truncated non-functional protein.

Labcorp Genetics (formerly Invitae), Labcorp
Classification: Pathogenic for Hereditary breast ovarian cancer syndrome. Last evaluated: 2019-12-03. Review status: criteria provided, single submitter. Criteria: Invitae Variant Classification Sherloc (09022015). Collection method: clinical testing. Allele origin: germline. Not counted in ClinVar's aggregate classification.
Comment: For these reasons, this variant has been classified as Pathogenic. Loss-of-function variants in BRCA1 are known to be pathogenic (PMID: 20104584). This variant has been observed in an individual with breast cancer (PMID: 17333343). ClinVar contains an entry for this variant (Variation ID: 55070). This variant is not present in population databases (ExAC no frequency). This sequence change creates a premature translational stop signal (p.Gly1334Valfs*2) in the BRCA1 gene. It is expected to result in an absent or disrupted protein product.

ClinVar Staff, National Center for Biotechnology Information (NCBI)
No classification provided. Condition: Familial cancer of breast. Review status: no classification provided. Collection method: literature only. Allele origin: germline. Affected: yes. Not counted in ClinVar's aggregate classification.

Literature cited by the submitters: PubMed 20104584 (cited by Labcorp Genetics (formerly Invitae), Labcorp); PubMed 17333343 (cited by Labcorp Genetics (formerly Invitae), Labcorp and ClinVar Staff, National Center for Biotechnology Information (NCBI)).

NM_007294.4(BRCA1):c.3999del (p.Gly1334fs)

Genes: BRCA1 (BRCA1 DNA repair associated; minus strand), LOC126862571 (BRD4-independent group 4 enhancer GRCh37_chr17:41243136-41244335; plus strand). Cytogenetic location: 17q21.31.
Variant type: Deletion.
Coding change: c.3999del on transcript NM_007294.4 (MANE Select); coding-DNA position 3999, one base deleted (T; older notation c.3999delT).
Protein change: p.Gly1334fs; shifts the reading frame from glycine 1334.
Molecular consequence: frameshift variant. On other transcripts: intron variant (135).
Genome position (GRCh38, 1-based): chr17:43,091,532, A deleted on the plus strand (T on the coding strand, the reverse complement: BRCA1 is on the minus strand); the first of 2 consecutive A bases (chr17:43,091,532-43,091,533); deleting either gives the same sequence. VCF-style (leftmost placement, unchanged base first): chr17-43091531-CA-C. GRCh37 (hg19) VCF-style: chr17-41243548-CA-C.
Other names: c.3786del, p.Gly1263fs (NM_001407571.1, NM_001407853.1, NM_001407894.1 and 9 more transcripts); c.3999del, p.Gly1334fs (NM_001407581.1, NM_001407582.1, NM_001407583.1 and 30 more transcripts); c.3996del, p.Gly1333fs (NM_001407610.1, NM_001407611.1, NM_001407612.1 and 22 more transcripts); c.3990del, p.Gly1331fs (NM_001407646.1, NM_001407647.1); c.3876del, p.Gly1293fs (NM_001407648.1, NM_001407664.1, NM_001407665.1 and 19 more transcripts); c.3873del, p.Gly1292fs (NM_001407649.1, NM_001407670.1, NM_001407671.1 and 11 more transcripts); c.3921del, p.Gly1308fs (NM_001407653.1, NM_001407654.1, NM_001407655.1 and 4 more transcripts); c.3918del, p.Gly1307fs (NM_001407659.1, NM_001407660.1, NM_001407661.1 and 1 more transcripts); and 43 more; short protein forms G1287fs, G1334fs, G1038fs, G1207fs, G1222fs, G1245fs, G1293fs, G1331fs.
Identifiers: ClinVar variation 55070 (VCV000055070.13), dbSNP rs397509125, ClinGen allele CA002560.
Genomic context (GRCh38, chr17:43,091,531, plus strand): 5'-TTTCTTCCAAGCCCGTTCCTCTTTCTTCATCATCTGAAACCAATTCCTTGTCACTCAGAC[CA>C]ACTCCCTGGCTTTCAGACTGATGCCTCATTTGTTTGGAAGAACCAATCAAGAAAGGATCC-3'